The following is an entry in ClinVar:

ClinVar aggregate classification (germline): Uncertain significance. Review status: criteria provided, multiple submitters, no conflicts (2 of 4 stars). 3 submissions from 3 submitters: Uncertain significance (2). 1 of the submissions does not count toward it. Last evaluated 2026-06-23.

Conditions:
Charcot-Marie-Tooth disease dominant intermediate E. Also called: CHARCOT-MARIE-TOOTH NEUROPATHY WITH FOCAL SEGMENTAL GLOMERULONEPHRITIS. Identifiers: Orphanet 93114, MedGen C4302667, MONDO:0013758, OMIM 614455.
Focal segmental glomerulosclerosis 5 (FSGS5). Identifiers: Orphanet 656, MedGen C2750475, MONDO:0013191, OMIM 613237.
INF2-related disorder. Also called: INF2-related condition.

Submissions (3):

PreventionGenetics, part of Exact Sciences
Classification: Uncertain significance for INF2-related condition. Last evaluated: 2026-06-23. Review status: criteria provided, single submitter. Criteria: ACMG Guidelines, 2015. Collection method: clinical testing. Allele origin: germline.
Comment: The INF2 c.1280_1285dup6 variant is predicted to result in an in-frame duplication (p.Pro427_Pro428dup). To our knowledge, this variant has not been reported in the literature or in a large population database (gnomAD), indicating this variant is rare. At this time, the clinical significance of this variant is uncertain due to the absence of conclusive functional and genetic evidence.

Fulgent Genetics
Classification: Uncertain significance for Focal segmental glomerulosclerosis 5; Charcot-Marie-Tooth disease dominant intermediate E. Last evaluated: 2022-02-23. Review status: criteria provided, single submitter. Criteria: ACMG Guidelines, 2015. Collection method: clinical testing. Allele origin: unknown.

Gharavi Laboratory, Columbia University
Classification: Uncertain significance. Last evaluated: 2018-09-16. Review status: no assertion criteria provided. Criteria: ACMG Guidelines, 2015. Collection method: research. Allele origin: germline. Affected: yes. Not counted in ClinVar's aggregate classification.

NM_022489.4(INF2):c.1262CACCCC[5] (p.Pro427_Pro428dup)

Gene: INF2 (inverted formin 2; plus strand). Cytogenetic location: 14q32.33.
Variant type: Microsatellite.
Coding change: c.1262CACCCC[5] on transcript NM_022489.4 (MANE Select); five copies in a row of the 6-base unit CACCCC starting at c.1262; the reference has four copies in a row; one copy, 6 bases duplicated; also written c.1280_1285dup.
Protein change: p.Pro427_Pro428dup.
Molecular consequence: inframe insertion.
Genome position (GRCh38, 1-based): chr14:104,707,547-104,707,552, CACCCC duplicated; duplicating any 6 consecutive bases within chr14:104,707,526-104,707,552 gives the same sequence; the position shown is the placement nearest the transcript's 3' end. VCF-style (leftmost placement, unchanged base first): chr14-104707525-A-ACCCCAC. GRCh37 (hg19) VCF-style: chr14-105173862-A-ACCCCAC.
Other names: c.1262CACCCC[5], p.Pro427_Pro428dup (NM_001031714.4); c.1280_1285dup (NM_022489.4); c.1280_1285dup6 (NM_022489.3).
Identifiers: ClinVar variation 592004 (VCV000592004.3), dbSNP rs573567814, ClinGen allele CA616584662.